The following is an entry in ClinVar:

ClinVar aggregate classification (germline): Uncertain significance (0 of 4 stars; one submission).

Conditions:
SLC7A9-related disorder. Also called: SLC7A9-related condition.

gnomAD v4.1: 8 of 1,613,680 alleles (0.0005%); highest among the groups gnomAD compares: Non-Finnish European, 0.00059%; no homozygotes.

Submission:

PreventionGenetics, part of Exact Sciences
Classification: Uncertain significance for SLC7A9-related condition. Last evaluated: 2024-04-04. Review status: no assertion criteria provided. Collection method: clinical testing. Allele origin: germline.
Comment: The SLC7A9 c.479-5T>C variant is predicted to interfere with splicing. To our knowledge, this variant has not been reported in the literature. This variant is reported in 0.00088% of alleles in individuals of European (non-Finnish) descent in gnomAD. Other splice variants that impact this intron/exon junction (c.479-1G>A, c.479-1G>C) have been reported in patients with cystinuria (Chatzikyriakidou et al. 2005. PubMed ID: 16225397; Bisceglia et al. 2007. PubMed ID: 18386385). At this time, the clinical significance of this variant is uncertain due to the absence of conclusive functional and genetic evidence.

NM_014270.5(SLC7A9):c.479-5T>C

Gene: SLC7A9 (solute carrier family 7 member 9; minus strand). Cytogenetic location: 19q13.11.
Variant type: single nucleotide variant.
Coding change: c.479-5T>C on transcript NM_014270.5 (MANE Select); 5 bases into the intron before coding-DNA position 479, T replaced by C.
Molecular consequence: intron variant.
Genome position (GRCh38, 1-based): chr19:32,862,591, A>G on the plus strand (T>C on the coding strand, the complement: SLC7A9 is on the minus strand). VCF-style: chr19-32862591-A-G. GRCh37 (hg19) VCF-style: chr19-33353497-A-G.
Other names: c.479-5T>C (NM_001126335.2, NM_001243036.2).
Identifiers: ClinVar variation 3355997 (VCV003355997.1).
Genomic context (GRCh38, chr19:32,862,591, plus strand): 5'-GTTCTGGACGTAGCTTCCCAGCCGCACGCTCAGTGAGTTCACTGTCGAGATGAACACTGG[A>G]AGGGTGGGGACAGTTTCTGCATTTATGGTTTTCAGCAAAGCCCTGGAGAGAGTCTCCTTT-3'